The following is an entry in ClinVar:

ClinVar aggregate classification (germline): Uncertain significance (1 of 4 stars; one submission).

Submission:

GeneDx
Classification: Uncertain significance. Last evaluated: 2022-12-05. Review status: criteria provided, single submitter. Criteria: GeneDx Variant Classification Process June 2021. Collection method: clinical testing. Allele origin: germline. Affected: yes.
Comment: Not observed at significant frequency in large population cohorts (gnomAD); In silico analysis supports that this variant does not alter protein structure/function; In silico analysis, which includes splice predictors and evolutionary conservation, suggests this variant may impact gene splicing. In the absence of RNA/functional studies, the actual effect of this sequence change is unknown.; Has not been previously published as pathogenic or benign to our knowledge

NM_012330.4(KAT6B):c.1833_1835del (p.Ser612del)

Gene: KAT6B (lysine acetyltransferase 6B; plus strand). Cytogenetic location: 10q22.2.
Variant type: Deletion.
Coding change: c.1833_1835del on transcript NM_012330.4 (MANE Select); coding-DNA positions 1833 to 1835, 3 bases deleted (AAG; older notation c.1833_1835delAAG).
Protein change: p.Ser612del; deletes serine 612.
Molecular consequence: inframe deletion. On other transcripts: intron variant (13).
Genome position (GRCh38, 1-based): chr10:74,976,170-74,976,172, AAG deleted; deleting any 3 consecutive bases within chr10:74,976,169-74,976,172 gives the same sequence; the c. name uses the placement nearest the transcript's 3' end. VCF-style (leftmost placement, unchanged base first): chr10-74976168-GGAA-G. GRCh37 (hg19) VCF-style: chr10-76735926-GGAA-G.
Other names: c.1833_1835del, p.Ser612del (NM_001370136.1, NM_001370137.1); c.1117+716_1117+718del (NM_001370139.1, NM_001370140.1, NM_001370141.1 and 3 more transcripts); c.1444+389_1444+391del (NM_001370138.1, NM_001256468.2); c.846+6395_846+6397del (NM_001370133.1); c.193-3054_193-3052del (NM_001370134.1); c.929-1146_929-1144del (NM_001370143.1, NM_001370144.1); c.193-12849_193-12847del (NM_001370135.1); short protein forms S612del.
Identifiers: ClinVar variation 1321527 (VCV001321527.2), dbSNP rs2133731201, ClinGen allele CA2573053303.